The following is an entry in ClinVar:

ClinVar aggregate classification (germline): Uncertain significance (1 of 4 stars; one submission).

Allele frequency attached by ClinVar (database versions not stated): gnomAD exomes below 0.00001.
gnomAD v4.1: 1 of 1,614,150 alleles (0.000062%); highest among the groups gnomAD compares: Admixed American, 0.0017%; no homozygotes.

Submission:

Labcorp Genetics (formerly Invitae), Labcorp
Classification: Uncertain significance. Last evaluated: 2022-01-28. Review status: criteria provided, single submitter. Criteria: Invitae Variant Classification Sherloc (09022015). Collection method: clinical testing. Allele origin: germline.
Comment: This sequence change falls in intron 2 of the SLC24A5 gene. It does not directly change the encoded amino acid sequence of the SLC24A5 protein. It affects a nucleotide within the consensus splice site. This variant is present in population databases (no rsID available, gnomAD 0.003%). This variant has not been reported in the literature in individuals affected with SLC24A5-related conditions. Variants that disrupt the consensus splice site are a relatively common cause of aberrant splicing (PMID: 17576681, 9536098). Algorithms developed to predict the effect of sequence changes on RNA splicing suggest that this variant may disrupt the consensus splice site. In summary, the available evidence is currently insufficient to determine the role of this variant in disease. Therefore, it has been classified as a Variant of Uncertain Significance.

Literature cited by the submitters: PubMed 17576681; PubMed 9536098.

NM_205850.3(SLC24A5):c.301+3A>T

Gene: SLC24A5 (solute carrier family 24 member 5; plus strand). Cytogenetic location: 15q21.1.
Variant type: single nucleotide variant.
Coding change: c.301+3A>T on transcript NM_205850.3 (MANE Select); 3 bases into the intron after coding-DNA position 301, A replaced by T.
Molecular consequence: intron variant.
Genome position (GRCh38, 1-based): chr15:48,122,039, A>T. VCF-style: chr15-48122039-A-T. GRCh37 (hg19) VCF-style: chr15-48414236-A-T.
Identifiers: ClinVar variation 2090921 (VCV002090921.4), dbSNP rs1309288719, ClinGen allele CA392448051.